The following is an entry in ClinVar:

NM_000136.3(FANCC):c.125dup (p.Glu43fs)

Gene: FANCC (FA complementation group C; minus strand). Cytogenetic location: 9q22.32.
Variant type: Duplication.
Coding change: c.125dup on transcript NM_000136.3 (MANE Select); coding-DNA position 125, one base duplicated (A; older notation c.125dupA).
Protein change: p.Glu43fs; shifts the reading frame from glutamic acid 43.
Molecular consequence: frameshift variant.
Genome position (GRCh38, 1-based): chr9:95,249,167, T duplicated on the plus strand (A on the coding strand, the reverse complement: FANCC is on the minus strand). VCF-style (leftmost placement, unchanged base first): chr9-95249166-C-CT. GRCh37 (hg19) VCF-style: chr9-98011448-C-CT.
Other names: c.125dup, p.Glu43fs (NM_001243743.2, NM_001243744.2); short protein forms E43fs.
Identifiers: ClinVar variation 2675469 (VCV002675469.2), dbSNP rs1248886497, ClinGen allele CA868731695.

ClinVar aggregate classification (germline): Pathogenic/Likely pathogenic. Review status: criteria provided, multiple submitters, no conflicts (2 of 4 stars). 2 submissions from 2 submitters: Pathogenic (1); Likely pathogenic (1). Last evaluated 2025-12-28.

Conditions:
Fanconi anemia (FA). Also called: Fanconi's anemia. Identifiers: Orphanet 84, MedGen C0015625, MeSH D005199, MONDO:0019391.
Fanconi anemia complementation group C (FANCC). Also called: FANCONI PANCYTOPENIA, TYPE 3; FACC; FANCC-Related Fanconi Anemia; Fanconi anemia, group C. Identifiers: Orphanet 84, MedGen C3468041, MONDO:0009213, OMIM 227645.

Allele frequency attached by ClinVar (database versions not stated): TOPMed 0.00001.

Submissions (2):

Labcorp Genetics (formerly Invitae), Labcorp
Classification: Pathogenic for Fanconi anemia. Last evaluated: 2025-12-28. Review status: criteria provided, single submitter. Criteria: Invitae Variant Classification Sherloc (09022015). Collection method: clinical testing. Allele origin: germline.
Comment: This sequence change creates a premature translational stop signal (p.Glu43Glyfs*8) in the FANCC gene. It is expected to result in an absent or disrupted protein product. Loss-of-function variants in FANCC are known to be pathogenic (PMID: 17924555). This variant is not present in population databases (gnomAD no frequency). This variant has not been reported in the literature in individuals affected with FANCC-related conditions. ClinVar contains an entry for this variant (Variation ID: 2675469). For these reasons, this variant has been classified as Pathogenic.

Baylor Genetics
Classification: Likely pathogenic for Fanconi anemia complementation group C. Last evaluated: 2023-05-16. Review status: criteria provided, single submitter. Criteria: ACMG Guidelines, 2015. Collection method: clinical testing. Allele origin: unknown.

Literature cited by the submitters: PubMed 17924555 (cited by Labcorp Genetics (formerly Invitae), Labcorp).